The following is an entry in ClinVar:

ClinVar aggregate classification (germline): Likely benign. Review status: criteria provided, multiple submitters, no conflicts (2 of 4 stars). 4 submissions from 4 submitters: Likely benign (4). Last evaluated 2025-05-13.

Conditions:
Cardiovascular phenotype. Identifiers: MedGen CN230736.
Dilated cardiomyopathy 1G (CMD1G). Identifiers: Orphanet 154, MedGen C1858763, MONDO:0011400, OMIM 604145.
Autosomal recessive limb-girdle muscular dystrophy type 2J (LGMDR10). Also called: Limb-girdle muscular dystrophy, type 2J; MUSCULAR DYSTROPHY, LIMB-GIRDLE, AUTOSOMAL RECESSIVE 10. Identifiers: Orphanet 140922, MedGen C1837342, MONDO:0012127, OMIM 608807.

Allele frequency attached by ClinVar (database versions not stated): TOPMed below 0.00001; ExAC 0.00001; gnomAD 0.00001 and 0.00002; gnomAD exomes 0.00001 and 0.00002; 1000 Genomes Project 30x 0.00016; 1000 Genomes Project 0.00020.

Submissions (4):

Labcorp Genetics (formerly Invitae), Labcorp
Classification: Likely benign for Dilated cardiomyopathy 1G; Autosomal recessive limb-girdle muscular dystrophy type 2J. Last evaluated: 2025-05-13. Review status: criteria provided, single submitter. Criteria: Invitae Variant Classification Sherloc (09022015). Collection method: clinical testing. Allele origin: germline.

Women's Health and Genetics/Laboratory Corporation of America, LabCorp
Classification: Likely benign. Last evaluated: 2019-11-29. Review status: criteria provided, single submitter. Criteria: LabCorp Variant Classification Summary - May 2015. Collection method: clinical testing. Allele origin: germline.

Ambry Genetics
Classification: Likely benign for Cardiovascular phenotype. Last evaluated: 2018-12-18. Review status: criteria provided, single submitter. Criteria: Ambry Variant Classification Scheme 2023. Collection method: clinical testing. Allele origin: germline.

Laboratory for Molecular Medicine, Mass General Brigham Personalized Medicine
Classification: Likely benign. Last evaluated: 2013-11-01. Review status: criteria provided, single submitter. Criteria: LMM Criteria. Collection method: clinical testing. Allele origin: germline. Observed: 1 variant allele.
Comment: Asp694Asp in exon 14 of TTN: This variant is not expected to have clinical signi ficance because it does not alter an amino acid residue and is not located withi n the splice consensus sequence. Asp694Asp in exon 14 of TTN (allele frequency = n/a)

NM_001267550.2(TTN):c.2082C>T (p.Asp694=)

Gene: TTN (titin; minus strand). Cytogenetic location: 2q31.2.
Variant type: single nucleotide variant.
Coding change: c.2082C>T on transcript NM_001267550.2 (MANE Select); coding-DNA position 2082, C replaced by T.
Protein change: p.Asp694=; no amino-acid change (aspartic acid 694 retained).
Molecular consequence: synonymous variant.
Genome position (GRCh38, 1-based): chr2:178,786,136, G>A on the plus strand (C>T on the coding strand, the complement: TTN is on the minus strand). VCF-style: chr2-178786136-G-A. GRCh37 (hg19) VCF-style: chr2-179650863-G-A.
Other names: c.2082C>T, p.Asp694= (NM_133378.4, NM_001256850.1, NM_133379.5); c.1944C>T, p.Asp648= (NM_003319.4, NM_133432.3, NM_133437.4).
Identifiers: ClinVar variation 179369 (VCV000179369.17), dbSNP rs534874686, ClinGen allele CA184282.
Genomic context (GRCh38, chr2:178,786,136, plus strand): 5'-GACTCGGGCCTGGTCTACTGCAGCAACAACTGTTGCTACAGCTTCAGCCTTTTTTCCAAC[G>A]TCCACCTGGAGACAAGGTTTCCAGAATTAATACATAGGAATATCGAGATCAGGCTGGAAT-3'
Protein context (NP_001254479.2, residues 684-704): EQIQVTHGKV[Asp694=]VGKKAEAVAT